The following is an entry in ClinVar:

ClinVar aggregate classification (germline): Uncertain significance (1 of 4 stars; one submission).

Allele frequency attached by ClinVar (database versions not stated): gnomAD exomes 0.00001; ExAC 0.00002; gnomAD 0.00005; ESP Exome Variant Server 0.00015.
gnomAD v4.1: 15 of 1,613,582 alleles (0.00093%); highest among the groups gnomAD compares: African/African-American, 0.004%; no homozygotes.

Submission:

Labcorp Genetics (formerly Invitae), Labcorp
Classification: Uncertain significance. Last evaluated: 2023-07-22. Review status: criteria provided, single submitter. Criteria: Invitae Variant Classification Sherloc (09022015). Collection method: clinical testing. Allele origin: germline.
Comment: This sequence change replaces leucine, which is neutral and non-polar, with phenylalanine, which is neutral and non-polar, at codon 8 of the LRP6 protein (p.Leu8Phe). This variant is present in population databases (rs145609690, gnomAD 0.008%). This variant has not been reported in the literature in individuals affected with LRP6-related conditions. An algorithm developed to predict the effect of missense changes on protein structure and function (PolyPhen-2) suggests that this variant is likely to be tolerated. In summary, the available evidence is currently insufficient to determine the role of this variant in disease. Therefore, it has been classified as a Variant of Uncertain Significance.

NM_002336.3(LRP6):c.22C>T (p.Leu8Phe)

Gene: LRP6 (LDL receptor related protein 6; minus strand). Cytogenetic location: 12p13.2.
Variant type: single nucleotide variant.
Coding change: c.22C>T on transcript NM_002336.3 (MANE Select); coding-DNA position 22, C replaced by T.
Protein change: p.Leu8Phe; replaces leucine 8 with phenylalanine.
Molecular consequence: missense variant. On other transcripts: 5 prime UTR variant (2), non-coding transcript variant (1), intron variant (1).
Genome position (GRCh38, 1-based): chr12:12,266,714, G>A on the plus strand (C>T on the coding strand, the complement: LRP6 is on the minus strand). VCF-style: chr12-12266714-G-A. GRCh37 (hg19) VCF-style: chr12-12419648-G-A.
Other names: c.22C>T, p.Leu8Phe (NM_001414244.1, NM_001414245.1, NM_001414246.1 and 6 more transcripts); c.-38C>T (NM_001414252.1); c.-428C>T (NM_001414254.1); c.-399+50C>T (NM_001414253.1); short protein forms L8F.
Identifiers: ClinVar variation 2787663 (VCV002787663.3), dbSNP rs145609690, ClinGen allele CA6455975.